The following is an entry in ClinVar:

ClinVar aggregate classification (germline): Conflicting classifications of pathogenicity. Review status: criteria provided, conflicting classifications (1 of 4 stars). 3 submissions from 3 submitters: Uncertain significance (2); Likely benign (1). Last evaluated 2026-07-10.

Conditions:
Tuberous sclerosis 1 (TSC1). Identifiers: Orphanet 805, MedGen C1854465, MONDO:0008612, OMIM 191100.
Hereditary cancer-predisposing syndrome. Also called: Tumor predisposition; Hereditary neoplastic syndrome; Neoplastic Syndromes, Hereditary; Hereditary Cancer Syndrome. Identifiers: Orphanet 140162, MedGen C0027672, MeSH D009386, MONDO:0015356.
Tuberous sclerosis syndrome (TSC). Also called: Tuberous Sclerosis Complex; Tuberous sclerosis. Identifiers: Orphanet 805, MedGen C0041341, MONDO:0001734.

Submissions (3):

Ambry Genetics
Classification: Likely benign for Hereditary cancer-predisposing syndrome. Last evaluated: 2026-07-10. Review status: criteria provided, single submitter. Criteria: Ambry Variant Classification Scheme 2023. Collection method: clinical testing. Allele origin: germline.

All of Us Research Program, National Institutes of Health
Classification: Uncertain significance for Tuberous sclerosis syndrome. Last evaluated: 2024-03-05. Review status: criteria provided, single submitter. Criteria: ACMG Guidelines, 2015. Collection method: clinical testing. Allele origin: germline. Inheritance: Autosomal dominant inheritance. Observed: 1 variant allele, 1 heterozygote.
Comment: This study involves interpretation of variants in research participants for the purpose of population health screening. Participant phenotype was not available at the time of variant classification. Additional details can be found in publication PMID: 35346344, PMCID: PMC8962531

Labcorp Genetics (formerly Invitae), Labcorp
Classification: Uncertain significance for Tuberous sclerosis 1. Last evaluated: 2023-10-07. Review status: criteria provided, single submitter. Criteria: Invitae Variant Classification Sherloc (09022015). Collection method: clinical testing. Allele origin: germline.
Comment: This sequence change replaces glycine, which is neutral and non-polar, with cysteine, which is neutral and slightly polar, at codon 1108 of the TSC1 protein (p.Gly1108Cys). This variant is not present in population databases (gnomAD no frequency). This variant has not been reported in the literature in individuals affected with TSC1-related conditions. ClinVar contains an entry for this variant (Variation ID: 834567). Advanced modeling of protein sequence and biophysical properties (such as structural, functional, and spatial information, amino acid conservation, physicochemical variation, residue mobility, and thermodynamic stability) performed at Invitae indicates that this missense variant is not expected to disrupt TSC1 protein function. In summary, the available evidence is currently insufficient to determine the role of this variant in disease. Therefore, it has been classified as a Variant of Uncertain Significance.

NM_000368.5(TSC1):c.3322G>T (p.Gly1108Cys)

Gene: TSC1 (TSC complex subunit 1; minus strand). Cytogenetic location: 9q34.13.
Variant type: single nucleotide variant.
Coding change: c.3322G>T on transcript NM_000368.5 (MANE Select); coding-DNA position 3322, G replaced by T.
Protein change: p.Gly1108Cys; replaces glycine 1108 with cysteine.
Molecular consequence: missense variant.
Genome position (GRCh38, 1-based): chr9:132,896,408, C>A on the plus strand (G>T on the coding strand, the complement: TSC1 is on the minus strand). VCF-style: chr9-132896408-C-A. GRCh37 (hg19) VCF-style: chr9-135771795-C-A.
Other names: c.3319G>T, p.Gly1107Cys (NM_001162426.2); c.3169G>T, p.Gly1057Cys (NM_001162427.2); c.2959G>T, p.Gly987Cys (NM_001362177.2); short protein forms G1057C, G1108C, G1107C, G987C.
Identifiers: ClinVar variation 834567 (VCV000834567.14), dbSNP rs118203753, ClinGen allele CA375366619.